The following is an entry in ClinVar:

ClinVar aggregate classification (germline): Uncertain significance (1 of 4 stars; one submission).

Submission:

CeGaT Center for Human Genetics Tuebingen
Classification: Uncertain significance. Last evaluated: 2025-11-01. Review status: criteria provided, single submitter. Criteria: CeGaT Center For Human Genetics Tuebingen Variant Classification Criteria Version 2. Collection method: clinical testing. Allele origin: germline. Affected: yes. Observed: 1 variant allele.
Comment: IARS1: PM2, BP4

NM_002161.6(IARS1):c.3265G>A (p.Ala1089Thr)

Gene: IARS1 (isoleucyl-tRNA synthetase 1; minus strand). Cytogenetic location: 9q22.31.
Variant type: single nucleotide variant.
Coding change: c.3265G>A on transcript NM_002161.6 (MANE Select); coding-DNA position 3265, G replaced by A.
Protein change: p.Ala1089Thr; replaces alanine 1089 with threonine.
Molecular consequence: missense variant. On other transcripts: non-coding transcript variant (1).
Genome position (GRCh38, 1-based): chr9:92,240,874, C>T on the plus strand (G>A on the coding strand, the complement: IARS1 is on the minus strand). VCF-style: chr9-92240874-C-T. GRCh37 (hg19) VCF-style: chr9-95003156-C-T.
Other names: c.3190G>A, p.Ala1064Thr (NM_001374299.1, NM_001374300.1, NM_001378584.1); c.3181G>A, p.Ala1061Thr (NM_001374301.1); c.3328G>A, p.Ala1110Thr (NM_001378569.1); c.3286G>A, p.Ala1096Thr (NM_001378571.1); c.3265G>A, p.Ala1089Thr (NM_001378572.1, NM_001378573.1, NM_001378574.1 and 9 more transcripts); c.3169G>A, p.Ala1057Thr (NM_001378582.1); c.3142G>A, p.Ala1048Thr (NM_001378583.1); short protein forms A1048T, A1057T, A1061T, A1064T, A1089T, A1096T, A1110T.
Identifiers: ClinVar variation 4535264 (VCV004535264.6).
Genomic context (GRCh38, chr9:92,240,874, plus strand): 5'-TAACTAAAAAAAAGTCACACAAATCATGGAATTTACTCTTACCTTGTTCACTGCCATTTG[C>T]ACAAATGTTAAGATTGACATATGCACAAGCAGGACCAGGAAGGGAAGATCCTCTGGTGAG-3'
Protein context (NP_002152.2, residues 1079-1099): ACAYVNLNIC[Ala1089Thr]NGSEQGGVLL